The following is an entry in ClinVar:

NM_006421.5(ARFGEF1):c.37A>T (p.Thr13Ser)

Gene: ARFGEF1 (ARF guanine nucleotide exchange factor 1; minus strand). Cytogenetic location: 8q13.2.
Variant type: single nucleotide variant.
Coding change: c.37A>T on transcript NM_006421.5 (MANE Select); coding-DNA position 37, A replaced by T.
Protein change: p.Thr13Ser; replaces threonine 13 with serine.
Molecular consequence: missense variant. On other transcripts: 5 prime UTR variant (4), non-coding transcript variant (1).
Genome position (GRCh38, 1-based): chr8:67,343,251, T>A on the plus strand (A>T on the coding strand, the complement: ARFGEF1 is on the minus strand). VCF-style: chr8-67343251-T-A. GRCh37 (hg19) VCF-style: chr8-68255486-T-A.
Other names: c.37A>T, p.Thr13Ser (NM_001413184.1, NM_001413185.1, NM_001413186.1 and 7 more transcripts); c.-554A>T (NM_001413188.1); c.-600A>T (NM_001413193.1); c.-1079A>T (NM_001413196.1); c.-533A>T (NM_001413197.1); short protein forms T13S.
Identifiers: ClinVar variation 3052236 (VCV003052236.2), dbSNP rs2536517725, ClinGen allele CA371253481.

ClinVar aggregate classification (germline): Uncertain significance (0 of 4 stars; one submission).

Conditions:
ARFGEF1-related disorder. Also called: ARFGEF1-related condition.

Submission:

PreventionGenetics, part of Exact Sciences
Classification: Uncertain significance for ARFGEF1-related condition. Last evaluated: 2023-11-13. Review status: no assertion criteria provided. Collection method: clinical testing. Allele origin: germline.
Comment: The ARFGEF1 c.37A>T variant is predicted to result in the amino acid substitution p.Thr13Ser. To our knowledge, this variant has not been reported in the literature or in a large population database, indicating this variant is rare. At this time, the clinical significance of this variant is uncertain due to the absence of conclusive functional and genetic evidence.